The following is an entry in ClinVar:

NM_000557.5(GDF5):c.1105G>A (p.Val369Met)

Genes: GDF5 (growth differentiation factor 5; minus strand), GDF5-AS1 (GDF5 antisense RNA 1; plus strand). Cytogenetic location: 20q11.22.
Variant type: single nucleotide variant.
Coding change: c.1105G>A on transcript NM_000557.5 (MANE Select); coding-DNA position 1105, G replaced by A.
Protein change: p.Val369Met; replaces valine 369 with methionine.
Molecular consequence: missense variant. On other transcripts: non-coding transcript variant (1).
Genome position (GRCh38, 1-based): chr20:35,434,310, C>T on the plus strand (G>A on the coding strand, the complement: GDF5 is on the minus strand). VCF-style: chr20-35434310-C-T. GRCh37 (hg19) VCF-style: chr20-34022108-C-T.
Other names: c.1105G>A, p.Val369Met (NM_001319138.2); short protein forms V369M.
Identifiers: ClinVar variation 2413960 (VCV002413960.4), dbSNP rs775005947, ClinGen allele CA9832161.
Genomic context (GRCh38, chr20:35,434,310, plus strand): 5'-CCTGGCGAGTGGCCAGTGGGGCCCGCCGTTTTCGCCGCTGGCTGAACAGGTACTCATACA[C>T]GGTCTTATCGTCCTGGCCAGAGCGGGCCTTAATCTCATTAAAGAACAGGTCCCGTTTCTT-3'
Protein context (NP_000548.2, residues 359-379): KARSGQDDKT[Val369Met]YEYLFSQRRK

ClinVar aggregate classification (germline): Uncertain significance (1 of 4 stars; one submission).

Allele frequency attached by ClinVar (database versions not stated): gnomAD exomes below 0.00001; gnomAD 0.00001; ExAC 0.00002; TOPMed 0.00003.
gnomAD v4.1: 9 of 1,614,010 alleles (0.00056%); highest among the groups gnomAD compares: Non-Finnish European, 0.00076%; no homozygotes.

Submission:

Labcorp Genetics (formerly Invitae), Labcorp
Classification: Uncertain significance. Last evaluated: 2023-12-07. Review status: criteria provided, single submitter. Criteria: Invitae Variant Classification Sherloc (09022015). Collection method: clinical testing. Allele origin: germline.
Comment: This sequence change replaces valine, which is neutral and non-polar, with methionine, which is neutral and non-polar, at codon 369 of the GDF5 protein (p.Val369Met). This variant is present in population databases (rs775005947, gnomAD 0.003%). This variant has not been reported in the literature in individuals affected with GDF5-related conditions. ClinVar contains an entry for this variant (Variation ID: 2413960). Advanced modeling of protein sequence and biophysical properties (such as structural, functional, and spatial information, amino acid conservation, physicochemical variation, residue mobility, and thermodynamic stability) performed at Invitae indicates that this missense variant is not expected to disrupt GDF5 protein function with a negative predictive value of 80%. In summary, the available evidence is currently insufficient to determine the role of this variant in disease. Therefore, it has been classified as a Variant of Uncertain Significance.